The following is an entry in ClinVar:

ClinVar aggregate classification (germline): Benign/Likely benign. Review status: criteria provided, multiple submitters, no conflicts (2 of 4 stars). 4 submissions from 4 submitters: Benign (3); Likely benign (1). Last evaluated 2026-02-01.

Conditions:
Immunodeficiency 31B. Also called: IMMUNODEFICIENCY 31B, MYCOBACTERIAL AND VIRAL INFECTIONS, AUTOSOMAL RECESSIVE; STAT1 DEFICIENCY, AUTOSOMAL RECESSIVE. Identifiers: Orphanet 391311, MedGen C3151088, MONDO:0013427, OMIM 613796.
Autoimmune enteropathy and endocrinopathy - susceptibility to chronic infections syndrome. Also called: Immunodeficiency 31C; Immunodeficiency 31C, autosomal dominant. Identifiers: Orphanet 391487, MedGen C3279990, MONDO:0013599, OMIM 614162.
Mendelian susceptibility to mycobacterial diseases due to partial STAT1 deficiency. Also called: IMMUNODEFICIENCY 31A, MYCOBACTERIOSIS, AUTOSOMAL DOMINANT; STAT1 DEFICIENCY, AUTOSOMAL DOMINANT; Immunodeficiency 31a. Identifiers: Orphanet 319595, MedGen C4013950, MONDO:0013956, OMIM 614892.

Allele frequency attached by ClinVar (database versions not stated): gnomAD exomes 0.00033 and 0.00091; ExAC 0.00117; gnomAD 0.00338 and 0.00351; ESP Exome Variant Server 0.00354; TOPMed 0.00383; 1000 Genomes Project 30x 0.00578; 1000 Genomes Project 0.00579.
gnomAD v4.1: 1,006 of 1,614,216 alleles (0.062%); highest among the groups gnomAD compares: African/African-American, 1.2%; 6 homozygotes.

Submissions (4):

Labcorp Genetics (formerly Invitae), Labcorp
Classification: Benign for Mendelian susceptibility to mycobacterial diseases due to partial STAT1 deficiency; Immunodeficiency 31B; Autoimmune enteropathy and endocrinopathy - susceptibility to chronic infections syndrome. Last evaluated: 2026-02-01. Review status: criteria provided, single submitter. Criteria: Invitae Variant Classification Sherloc (09022015). Collection method: clinical testing. Allele origin: germline.

Mayo Clinic Laboratories, Mayo Clinic
Classification: Benign. Last evaluated: 2025-09-12. Review status: criteria provided, single submitter. Criteria: ACMG Guidelines, 2015. Collection method: clinical testing. Allele origin: germline. Observed: 1 variant allele.
Comment: BS1, BS2, BP4, BP7

Blueprint Genetics
Classification: Likely benign. Last evaluated: 2024-09-18. Review status: criteria provided, single submitter. Criteria: ACMG Guidelines, 2015. Collection method: clinical testing. Allele origin: germline.

CeGaT Center for Human Genetics Tuebingen
Classification: Benign. Last evaluated: 2024-04-01. Review status: criteria provided, single submitter. Criteria: CeGaT Center For Human Genetics Tuebingen Variant Classification Criteria Version 2. Collection method: clinical testing. Allele origin: germline. Affected: yes. Observed: 2 variant alleles.
Comment: STAT1: BP4, BP7, BS1, BS2

NM_007315.4(STAT1):c.2019A>G (p.Lys673=)

Gene: STAT1 (signal transducer and activator of transcription 1; minus strand). Cytogenetic location: 2q32.2.
Variant type: single nucleotide variant.
Coding change: c.2019A>G on transcript NM_007315.4 (MANE Select); coding-DNA position 2019, A replaced by G.
Protein change: p.Lys673=; no amino-acid change (lysine 673 retained).
Molecular consequence: synonymous variant. On other transcripts: intron variant (1).
Genome position (GRCh38, 1-based): chr2:190,976,880, T>C on the plus strand (A>G on the coding strand, the complement: STAT1 is on the minus strand). VCF-style: chr2-190976880-T-C. GRCh37 (hg19) VCF-style: chr2-191841606-T-C.
Other names: p.Lys673=; c.1959A>G, p.Lys653= (NM_001384880.1); c.2025A>G, p.Lys675= (NM_001384881.1); c.2013A>G, p.Lys671= (NM_001384882.1); c.1920A>G, p.Lys640= (NM_001384883.1); c.1860A>G, p.Lys620= (NM_001384885.1); c.2019A>G, p.Lys673= (NM_001384886.1, NM_001384889.1, NM_139266.3); c.1926A>G, p.Lys642= (NM_001384887.1); and 4 more.
Identifiers: ClinVar variation 474981 (VCV000474981.34), dbSNP rs35098579, ClinGen allele CA2029766.